The following is an entry in ClinVar:

ClinVar aggregate classification (germline): Likely benign (0 of 4 stars; one submission).

Conditions:
PLXNA2-related disorder. Also called: PLXNA2-related condition.

Allele frequency attached by ClinVar (database versions not stated): ExAC 0.00002.
gnomAD v4.1: 31 of 1,613,882 alleles (0.0019%); highest among the groups gnomAD compares: South Asian, 0.013%; no homozygotes.

Submission:

PreventionGenetics, part of Exact Sciences
Classification: Likely benign for PLXNA2-related condition. Last evaluated: 2021-10-06. Review status: no assertion criteria provided. Collection method: clinical testing. Allele origin: germline.
Comment: This variant is classified as likely benign based on ACMG/AMP sequence variant interpretation guidelines (Richards et al. 2015 PMID: 25741868, with internal and published modifications).

NM_025179.4(PLXNA2):c.4041C>T (p.His1347=)

Gene: PLXNA2 (plexin A2; minus strand). Cytogenetic location: 1q32.2.
Variant type: single nucleotide variant.
Coding change: c.4041C>T on transcript NM_025179.4 (MANE Select); coding-DNA position 4041, C replaced by T.
Protein change: p.His1347=; no amino-acid change (histidine 1347 retained).
Molecular consequence: synonymous variant.
Genome position (GRCh38, 1-based): chr1:208,042,343, G>A on the plus strand (C>T on the coding strand, the complement: PLXNA2 is on the minus strand). VCF-style: chr1-208042343-G-A. GRCh37 (hg19) VCF-style: chr1-208215688-G-A.
Identifiers: ClinVar variation 3046161 (VCV003046161.2), dbSNP rs757014612, ClinGen allele CA1372977.
Genomic context (GRCh38, chr1:208,042,343, plus strand): 5'-GGTCAGCAGGAACACCTTGTTGTTGATGAGCTGGGCAAAGAGCTTCAGGGCCTTCTCCAC[G>A]TGCTGCTGCCCGTTTCCTTGTACCTGGGGTGGGGTGTGGTGGAGGCGACGCCCTCAGAGG-3'
Protein context (NP_079455.3, residues 1337-1357): ELEVQGNGQQ[His1347=]VEKALKLFAQ